The following is an entry in ClinVar:

NM_002470.4(MYH3):c.4897G>A (p.Ala1633Thr)

Gene: MYH3 (myosin heavy chain 3; minus strand). Cytogenetic location: 17p13.1.
Variant type: single nucleotide variant.
Coding change: c.4897G>A on transcript NM_002470.4 (MANE Select); coding-DNA position 4897, G replaced by A.
Protein change: p.Ala1633Thr; replaces alanine 1633 with threonine.
Molecular consequence: missense variant.
Genome position (GRCh38, 1-based): chr17:10,632,535, C>T on the plus strand (G>A on the coding strand, the complement: MYH3 is on the minus strand). VCF-style: chr17-10632535-C-T. GRCh37 (hg19) VCF-style: chr17-10535852-C-T.
Other names: short protein forms A1633T.
Identifiers: ClinVar variation 3915536 (VCV003915536.2).

ClinVar aggregate classification (germline): Uncertain significance. Review status: criteria provided, multiple submitters, no conflicts (2 of 4 stars). 2 submissions from 2 submitters: Uncertain significance (2). Last evaluated 2026-05-20.

Conditions:
MYH3-related disorder. Also called: MYH3-Related Disorders; MYH3-related condition. Identifiers: MedGen CN239329.
Inborn genetic diseases. Identifiers: MedGen C0950123, MeSH D030342.

gnomAD v4.1: 10 of 1,614,128 alleles (0.00062%); highest among the groups gnomAD compares: African/African-American, 0.0013%; no homozygotes.

Submissions (2):

PreventionGenetics, part of Exact Sciences
Classification: Uncertain significance for MYH3-related condition. Last evaluated: 2026-05-20. Review status: criteria provided, single submitter. Criteria: ACMG Guidelines, 2015. Collection method: clinical testing. Allele origin: germline.
Comment: The MYH3 c.4897G>A variant is predicted to result in the amino acid substitution p.Ala1633Thr. To our knowledge, this variant has not been reported in the literature. This variant is reported in 0.00088% of alleles in individuals of European (Non-Finnish) descent in gnomAD. At this time, the clinical significance of this variant is uncertain due to the absence of conclusive functional and genetic evidence.

Ambry Genetics
Classification: Uncertain significance for Inborn genetic diseases. Last evaluated: 2025-03-27. Review status: criteria provided, single submitter. Criteria: Ambry Variant Classification Scheme 2023. Collection method: clinical testing. Allele origin: germline.